The following is an entry in ClinVar:

ClinVar aggregate classification (germline): Uncertain significance (1 of 4 stars; one submission).

Submission:

Labcorp Genetics (formerly Invitae), Labcorp
Classification: Uncertain significance. Last evaluated: 2022-08-19. Review status: criteria provided, single submitter. Criteria: Invitae Variant Classification Sherloc (09022015). Collection method: clinical testing. Allele origin: germline.
Comment: This sequence change replaces glutamine, which is neutral and polar, with histidine, which is basic and polar, at codon 316 of the TONSL protein (p.Gln316His). This variant is not present in population databases (gnomAD no frequency). This variant has not been reported in the literature in individuals affected with TONSL-related conditions. Algorithms developed to predict the effect of missense changes on protein structure and function are either unavailable or do not agree on the potential impact of this missense change (SIFT: "Deleterious"; PolyPhen-2: "Possibly Damaging"; Align-GVGD: "Class C0"). In summary, the available evidence is currently insufficient to determine the role of this variant in disease. Therefore, it has been classified as a Variant of Uncertain Significance.

NM_013432.5(TONSL):c.948G>T (p.Gln316His)

Gene: TONSL (tonsoku like, DNA repair protein; minus strand). Cytogenetic location: 8q24.3.
Variant type: single nucleotide variant.
Coding change: c.948G>T on transcript NM_013432.5 (MANE Select); coding-DNA position 948, G replaced by T.
Protein change: p.Gln316His; replaces glutamine 316 with histidine.
Molecular consequence: missense variant.
Genome position (GRCh38, 1-based): chr8:144,441,029, C>A on the plus strand (G>T on the coding strand, the complement: TONSL is on the minus strand). VCF-style: chr8-144441029-C-A. GRCh37 (hg19) VCF-style: chr8-145666412-C-A.
Other names: short protein forms Q316H.
Identifiers: ClinVar variation 1716871 (VCV001716871.3), dbSNP rs1292581396, ClinGen allele CA372673798.